The following is an entry in ClinVar:

ClinVar aggregate classification (germline): Pathogenic (1 of 4 stars; one submission).

Allele frequency attached by ClinVar (database versions not stated): gnomAD exomes below 0.00001.
gnomAD v4.1: 3 of 1,614,110 alleles (0.00019%); highest among the groups gnomAD compares: African/African-American, 0.0013%; no homozygotes.

Submission:

Labcorp Genetics (formerly Invitae), Labcorp
Classification: Pathogenic. Last evaluated: 2024-05-21. Review status: criteria provided, single submitter. Criteria: Invitae Variant Classification Sherloc (09022015). Collection method: clinical testing. Allele origin: germline.
Comment: This sequence change creates a premature translational stop signal (p.Arg1549*) in the SZT2 gene. It is expected to result in an absent or disrupted protein product. Loss-of-function variants in SZT2 are known to be pathogenic (PMID: 23932106, 27248490, 28556953). This variant is not present in population databases (gnomAD no frequency). This variant has not been reported in the literature in individuals affected with SZT2-related conditions. ClinVar contains an entry for this variant (Variation ID: 1446978). For these reasons, this variant has been classified as Pathogenic.

Literature cited by the submitters: PubMed 23932106; PubMed 27248490; PubMed 28556953.

NM_001365999.1(SZT2):c.4816C>T (p.Arg1606Ter)

Gene: SZT2 (SZT2 subunit of KICSTOR complex; plus strand). Cytogenetic location: 1p34.2.
Variant type: single nucleotide variant.
Coding change: c.4816C>T on transcript NM_001365999.1 (MANE Select); coding-DNA position 4816, C replaced by T.
Protein change: p.Arg1606Ter; replaces arginine 1606 with a stop codon.
Molecular consequence: nonsense.
Genome position (GRCh38, 1-based): chr1:43,430,990, C>T. VCF-style: chr1-43430990-C-T. GRCh37 (hg19) VCF-style: chr1-43896661-C-T.
Other names: c.4645C>T, p.Arg1549Ter (NM_015284.4); short protein forms R1606*, R1549*.
Identifiers: ClinVar variation 1446978 (VCV001446978.6), dbSNP rs909158021, ClinGen allele CA21637417.